The following is an entry in ClinVar:

ClinVar aggregate classification (germline): Pathogenic (1 of 4 stars; one submission).

Submission:

GeneDx
Classification: Pathogenic. Last evaluated: 2019-08-14. Review status: criteria provided, single submitter. Criteria: GeneDx Variant Classification Process June 2021. Collection method: clinical testing. Allele origin: germline. Affected: yes.
Comment: Has not been previously published as pathogenic or benign to our knowledge; Not observed in large population cohorts (Lek et al., 2016); In silico analysis, which includes protein predictors and evolutionary conservation, supports a deleterious effect; The majority of missense variants in this gene are considered pathogenic (Stenson et al., 2014)

NM_001101.5(ACTB):c.586C>G (p.Arg196Gly)

Gene: ACTB (actin beta; minus strand). Cytogenetic location: 7p22.1.
Variant type: single nucleotide variant.
Coding change: c.586C>G on transcript NM_001101.5 (MANE Select); coding-DNA position 586, C replaced by G.
Protein change: p.Arg196Gly; replaces arginine 196 with glycine.
Molecular consequence: missense variant.
Genome position (GRCh38, 1-based): chr7:5,528,497, G>C on the plus strand (C>G on the coding strand, the complement: ACTB is on the minus strand). VCF-style: chr7-5528497-G-C. GRCh37 (hg19) VCF-style: chr7-5568128-G-C.
Other names: short protein forms R196G.
Identifiers: ClinVar variation 1193058 (VCV001193058.2), dbSNP rs281875333, ClinGen allele CA366702599.